The following is an entry in ClinVar:

ClinVar aggregate classification (germline): Uncertain significance (1 of 4 stars; one submission).

Allele frequency attached by ClinVar (database versions not stated): TOPMed 0.00002.

Submission:

GeneDx
Classification: Uncertain significance. Last evaluated: 2023-02-07. Review status: criteria provided, single submitter. Criteria: GeneDx Variant Classification Process June 2021. Collection method: clinical testing. Allele origin: germline. Affected: yes.
Comment: Not observed at significant frequency in large population cohorts (gnomAD); In silico analysis supports that this missense variant does not alter protein structure/function; Has not been previously published as pathogenic or benign to our knowledge

NM_001415.4(EIF2S3):c.1309G>A (p.Val437Ile)

Gene: EIF2S3 (eukaryotic translation initiation factor 2 subunit gamma; plus strand). Cytogenetic location: Xp22.11.
Variant type: single nucleotide variant.
Coding change: c.1309G>A on transcript NM_001415.4 (MANE Select); coding-DNA position 1309, G replaced by A.
Protein change: p.Val437Ile; replaces valine 437 with isoleucine.
Molecular consequence: missense variant.
Genome position (GRCh38, 1-based): chrX:24,073,217, G>A. VCF-style: chrX-24073217-G-A. GRCh37 (hg19) VCF-style: chrX-24091334-G-A.
Other names: short protein forms V437I.
Identifiers: ClinVar variation 2574768 (VCV002574768.1), dbSNP rs1261963179, ClinGen allele CA412598840.